The following is an entry in ClinVar:

ClinVar aggregate classification (germline): Uncertain significance. Review status: criteria provided, multiple submitters, no conflicts (2 of 4 stars). 2 submissions from 2 submitters: Uncertain significance (2). Last evaluated 2024-01-29.

Conditions:
Primary ciliary dyskinesia. Also called: Ciliary dyskinesia. Identifiers: Orphanet 244, MedGen C0008780, MONDO:0016575, HP:0012265.
Inborn genetic diseases. Identifiers: MedGen C0950123, MeSH D030342.

Allele frequency attached by ClinVar (database versions not stated): gnomAD 0.00001; ExAC 0.00002; gnomAD exomes 0.00002.
gnomAD v4.1: 38 of 1,614,020 alleles (0.0024%); highest among the groups gnomAD compares: Admixed American, 0.0033%; no homozygotes.

Submissions (2):

Ambry Genetics
Classification: Uncertain significance for Inborn genetic diseases. Last evaluated: 2024-01-29. Review status: criteria provided, single submitter. Criteria: Ambry Variant Classification Scheme 2023. Collection method: clinical testing. Allele origin: germline.

Labcorp Genetics (formerly Invitae), Labcorp
Classification: Uncertain significance for Primary ciliary dyskinesia. Last evaluated: 2021-08-31. Review status: criteria provided, single submitter. Criteria: Invitae Variant Classification Sherloc (09022015). Collection method: clinical testing. Allele origin: germline.
Comment: This sequence change replaces arginine with cysteine at codon 233 of the DRC1 protein (p.Arg233Cys). The arginine residue is highly conserved and there is a large physicochemical difference between arginine and cysteine. This variant is present in population databases (rs756180718, ExAC 0.009%). This variant has not been reported in the literature in individuals affected with DRC1-related conditions. Algorithms developed to predict the effect of missense changes on protein structure and function (SIFT, PolyPhen-2, Align-GVGD) all suggest that this variant is likely to be disruptive. In summary, the available evidence is currently insufficient to determine the role of this variant in disease. Therefore, it has been classified as a Variant of Uncertain Significance.

NM_145038.5(DRC1):c.697C>T (p.Arg233Cys)

Gene: DRC1 (dynein regulatory complex subunit 1; plus strand). Cytogenetic location: 2p23.3.
Variant type: single nucleotide variant.
Coding change: c.697C>T on transcript NM_145038.5 (MANE Select); coding-DNA position 697, C replaced by T.
Protein change: p.Arg233Cys; replaces arginine 233 with cysteine.
Molecular consequence: missense variant.
Genome position (GRCh38, 1-based): chr2:26,430,804, C>T. VCF-style: chr2-26430804-C-T. GRCh37 (hg19) VCF-style: chr2-26653672-C-T.
Other names: c.697C>T (NM_145038.2); short protein forms R233C.
Identifiers: ClinVar variation 947168 (VCV000947168.8), dbSNP rs756180718, ClinGen allele CA1561991.